The following is an entry in ClinVar:

ClinVar aggregate classification (germline): Uncertain significance (1 of 4 stars; one submission).

Conditions:
Wiedemann-Steiner syndrome (WDSTS). Also called: Growth deficiency and mental retardation with facial dysmorphism. Identifiers: Orphanet 319182, MedGen C1854630, MONDO:0011518, OMIM 605130.

Allele frequency attached by ClinVar (database versions not stated): gnomAD exomes below 0.00001; ExAC 0.00002.
gnomAD v4.1: 9 of 1,614,160 alleles (0.00056%); highest among the groups gnomAD compares: South Asian, 0.0077%; no homozygotes.

Submission:

Victorian Clinical Genetics Services, Murdoch Childrens Research Institute
Classification: Uncertain significance for Wiedemann-Steiner syndrome. Last evaluated: 2020-05-21. Review status: criteria provided, single submitter. Criteria: ACMG Guidelines, 2015. Collection method: clinical testing. Allele origin: germline. Inheritance: Autosomal dominant inheritance. Affected: yes.
Comment: Based on the classification scheme VCGS_Germline_v0.6.1, this variant is classified as 3C-VUS. Following criteria are met: 0102 - Loss of function is a known mechanism of disease for this gene. 0107 - This gene is known to be associated with autosomal dominant disease. 0200 - Variant is predicted to result in a missense amino acid change from valine to leucine (exon 3). 0302 - Variant is present in gnomAD >=0.0002 and <0.001 for dominant indication. 0502 - Missense variant with conflicting in-silico predictions and uninformative conservation. 0604 - Variant is not located in an established domain, motif or hotspot. 0705 - No comparable variants in relevant codon/region have previous evidence for pathogenicity. 0807 - Variant has not previously been reported in a clinical context. 0905 - No published segregation evidence has been identified for this variant. 1007 - No published functional evidence has been identified for this variant. Legend: (P) - Pathogenic, (N) - Neutral, (B) - Benign

NM_001197104.2(KMT2A):c.2326G>C (p.Val776Leu)

Gene: KMT2A (lysine methyltransferase 2A; plus strand). Cytogenetic location: 11q23.3.
Variant type: single nucleotide variant.
Coding change: c.2326G>C on transcript NM_001197104.2 (MANE Select); coding-DNA position 2326, G replaced by C.
Protein change: p.Val776Leu; replaces valine 776 with leucine.
Molecular consequence: missense variant.
Genome position (GRCh38, 1-based): chr11:118,473,485, G>C. VCF-style: chr11-118473485-G-C. GRCh37 (hg19) VCF-style: chr11-118344200-G-C.
Other names: c.2425G>C, p.Val809Leu (NM_001412597.1); c.2326G>C, p.Val776Leu (NM_005933.4); short protein forms V776L, V809L.
Identifiers: ClinVar variation 1806232 (VCV001806232.1), dbSNP rs782073017, ClinGen allele CA6303500.